The following is an entry in ClinVar:

ClinVar aggregate classification (germline): Uncertain significance (1 of 4 stars; one submission).

Conditions:
Epidermolysis bullosa simplex with nail dystrophy (EBS5D). Identifiers: MedGen C4225309, MONDO:0014661, OMIM 616487.
Epidermolysis bullosa simplex, Ogna type (EBS5A). Also called: EPIDERMOLYSIS BULLOSA SIMPLEX 5A, OGNA TYPE; Pidermolysis bullosa simplex 5A, Ogna type. Identifiers: Orphanet 79401, MedGen C0432317, MONDO:0007555, OMIM 131950.
Autosomal recessive limb-girdle muscular dystrophy type 2Q (LGMDR17). Also called: MUSCULAR DYSTROPHY, LIMB-GIRDLE, AUTOSOMAL RECESSIVE 17. Identifiers: Orphanet 254361, MedGen C3150989, MONDO:0013390, OMIM 613723.
Epidermolysis bullosa simplex 5B, with muscular dystrophy (EBS5B). Also called: EPIDERMOLYSIS BULLOSA SIMPLEX AND LIMB-GIRDLE MUSCULAR DYSTROPHY; Epidermolysis bullosa simplex with muscular dystrophy. Identifiers: Orphanet 257, MedGen C2931072, MONDO:0009181, OMIM 226670.
Epidermolysis bullosa simplex 5C, with pyloric atresia (EBS5C). Also called: PLEC-Related Epidermolysis Bullosa with Pyloric Atresia; Epidermolysis bullosa simplex with pyloric atresia; PLEC1-Related Epidermolysis Bullosa with Pyloric Atresia. Identifiers: Orphanet 158684, MedGen C2677349, MONDO:0012807, OMIM 612138.

Submission:

Labcorp Genetics (formerly Invitae), Labcorp
Classification: Uncertain significance for Autosomal recessive limb-girdle muscular dystrophy type 2Q; Epidermolysis bullosa simplex, Ogna type; Epidermolysis bullosa simplex with nail dystrophy; Epidermolysis bullosa simplex 5C, with pyloric atresia; Epidermolysis bullosa simplex 5B, with muscular dystrophy. Last evaluated: 2025-06-24. Review status: criteria provided, single submitter. Criteria: Invitae Variant Classification Sherloc (09022015). Collection method: clinical testing. Allele origin: germline.
Comment: This sequence change replaces glycine, which is neutral and non-polar, with serine, which is neutral and polar, at codon 4485 of the PLEC protein (p.Gly4485Ser). This variant is not present in population databases (gnomAD no frequency). This variant has not been reported in the literature in individuals affected with PLEC-related conditions. Invitae Evidence Modeling of protein sequence and biophysical properties (such as structural, functional, and spatial information, amino acid conservation, physicochemical variation, residue mobility, and thermodynamic stability) has been performed for this missense variant. However, the output from this modeling did not meet the statistical confidence thresholds required to predict the impact of this variant on PLEC protein function. In summary, the available evidence is currently insufficient to determine the role of this variant in disease. Therefore, it has been classified as a Variant of Uncertain Significance.

NM_201384.3(PLEC):c.13372G>A (p.Gly4458Ser)

Gene: PLEC (plectin; minus strand). Cytogenetic location: 8q24.3.
Variant type: single nucleotide variant.
Coding change: c.13372G>A on transcript NM_201384.3 (MANE Select); coding-DNA position 13372, G replaced by A.
Protein change: p.Gly4458Ser; replaces glycine 4458 with serine.
Molecular consequence: missense variant.
Genome position (GRCh38, 1-based): chr8:143,916,449, C>T on the plus strand (G>A on the coding strand, the complement: PLEC is on the minus strand). VCF-style: chr8-143916449-C-T. GRCh37 (hg19) VCF-style: chr8-144990617-C-T.
Other names: c.13453G>A, p.Gly4485Ser (NM_000445.5); c.10072G>A, p.Gly3358Ser (NM_001410941.1); c.13330G>A, p.Gly4444Ser (NM_201378.4); c.13306G>A, p.Gly4436Ser (NM_201379.3); c.13783G>A, p.Gly4595Ser (NM_201380.4); c.13276G>A, p.Gly4426Ser (NM_201381.3); c.13372G>A, p.Gly4458Ser (NM_201382.4); c.13384G>A, p.Gly4462Ser (NM_201383.3); short protein forms G3358S, G4444S, G4462S, G4426S, G4436S, G4458S, G4485S, G4595S.
Identifiers: ClinVar variation 4791694 (VCV004791694.1).